The following is an entry in ClinVar:

NM_000171.4(GLRA1):c.559+6T>A

Gene: GLRA1 (glycine receptor alpha 1; minus strand). Cytogenetic location: 5q33.1.
Variant type: single nucleotide variant.
Coding change: c.559+6T>A on transcript NM_000171.4 (MANE Select); 6 bases into the intron after coding-DNA position 559, T replaced by A.
Molecular consequence: intron variant.
Genome position (GRCh38, 1-based): chr5:151,856,295, A>T on the plus strand (T>A on the coding strand, the complement: GLRA1 is on the minus strand). VCF-style: chr5-151856295-A-T. GRCh37 (hg19) VCF-style: chr5-151235856-A-T.
Other names: c.310+6T>A (NM_001292000.2); c.559+6T>A (NM_001146040.2).
Identifiers: ClinVar variation 2876038 (VCV002876038.3), dbSNP rs2479981195, ClinGen allele CA2739272747.
Genomic context (GRCh38, chr5:151,856,295, plus strand): 5'-TTTCTGCCTATCCCATGGGTAAAAAGGAGCCTGGTTCTTTCTAGAGGACTCATGCAAGAC[A>T]CTCACAGCTTTCCAGTTGCATGATACATGTCTGGACATCCATGGGGAAATTCTTCAAGTC-3'

ClinVar aggregate classification (germline): Uncertain significance (1 of 4 stars; one submission).

Conditions:
Hereditary hyperekplexia. Identifiers: Orphanet 3197, MedGen C4084968, MONDO:0021022.

Submission:

Labcorp Genetics (formerly Invitae), Labcorp
Classification: Uncertain significance for Hereditary hyperekplexia. Last evaluated: 2023-11-25. Review status: criteria provided, single submitter. Criteria: Invitae Variant Classification Sherloc (09022015). Collection method: clinical testing. Allele origin: germline.
Comment: This sequence change falls in intron 5 of the GLRA1 gene. It does not directly change the encoded amino acid sequence of the GLRA1 protein. It affects a nucleotide within the consensus splice site. This variant is not present in population databases (gnomAD no frequency). This variant has not been reported in the literature in individuals affected with GLRA1-related conditions. Variants that disrupt the consensus splice site are a relatively common cause of aberrant splicing (PMID: 17576681, 9536098). Algorithms developed to predict the effect of sequence changes on RNA splicing suggest that this variant may disrupt the consensus splice site. In summary, the available evidence is currently insufficient to determine the role of this variant in disease. Therefore, it has been classified as a Variant of Uncertain Significance.

Literature cited by the submitters: PubMed 17576681; PubMed 9536098.